The following is an entry in ClinVar:

NM_021008.4(DEAF1):c.870A>C (p.Leu290Phe)

Gene: DEAF1 (DEAF1 transcription factor; minus strand). Cytogenetic location: 11p15.5.
Variant type: single nucleotide variant.
Coding change: c.870A>C on transcript NM_021008.4 (MANE Select); coding-DNA position 870, A replaced by C.
Protein change: p.Leu290Phe; replaces leucine 290 with phenylalanine.
Molecular consequence: missense variant.
Genome position (GRCh38, 1-based): chr11:684,898, T>G on the plus strand (A>C on the coding strand, the complement: DEAF1 is on the minus strand). VCF-style: chr11-684898-T-G. GRCh37 (hg19) VCF-style: chr11-684898-T-G.
Other names: c.730A>C, p.Ile244Leu (NM_001293634.2); c.144A>C, p.Leu48Phe (NM_001367390.1); short protein forms I244L, L48F, L290F.
Identifiers: ClinVar variation 2846658 (VCV002846658.3), dbSNP rs1428043776, ClinGen allele CA378929753.

ClinVar aggregate classification (germline): Uncertain significance (1 of 4 stars; one submission).

Allele frequency attached by ClinVar (database versions not stated): gnomAD exomes below 0.00001.
gnomAD v4.1: 1 of 1,551,434 alleles (0.000064%); highest among the groups gnomAD compares: Admixed American, 0.002%; no homozygotes.

Submission:

Labcorp Genetics (formerly Invitae), Labcorp
Classification: Uncertain significance. Last evaluated: 2023-07-27. Review status: criteria provided, single submitter. Criteria: Invitae Variant Classification Sherloc (09022015). Collection method: clinical testing. Allele origin: germline.
Comment: In summary, the available evidence is currently insufficient to determine the role of this variant in disease. Therefore, it has been classified as a Variant of Uncertain Significance. An algorithm developed to predict the effect of missense changes on protein structure and function (PolyPhen-2) suggests that this variant is likely to be disruptive. This variant has not been reported in the literature in individuals affected with DEAF1-related conditions. This variant is present in population databases (no rsID available, gnomAD 0.004%). This sequence change replaces leucine, which is neutral and non-polar, with phenylalanine, which is neutral and non-polar, at codon 290 of the DEAF1 protein (p.Leu290Phe).